The following is an entry in ClinVar:

NC_000002.12:g.121531007A>G

Genes: CLASP1 (cytoplasmic linker associated protein 1; minus strand), CLASP1-AS1 (CLASP1 antisense RNA 1; plus strand), RNU4ATAC (RNA, U4atac small nuclear; plus strand). Cytogenetic location: 2q14.2.
Variant type: single nucleotide variant.
Molecular consequence: intron variant (on NM_001395891.1).
Genome position: GRCh38 VCF-style: chr2-121531007-A-G. GRCh37 (hg19) VCF-style: chr2-122288583-A-G.
Other names: c.196-682T>C (NM_001207051.2, NM_001378005.1, NM_001142274.2 and 5 more transcripts).
Identifiers: ClinVar variation 1493204 (VCV001493204.3), dbSNP rs780395960, ClinGen allele CA1854750.
Genomic context (GRCh38, chr2:121,531,007, plus strand): 5'-CTGAACAACACACCCGCATCAACTAGAGCTTTTGCTTTATTTTGGTGCAATTTTTGGAAA[A>G]ATGAAAACCTGTTTTCATAGACTTATCAGTTCAAACAGCAGTAATTCGTAAATAAACTAG-3'

ClinVar aggregate classification (germline): Uncertain significance (1 of 4 stars; one submission).

Allele frequency attached by ClinVar (database versions not stated): TOPMed 0.00005; ExAC 0.00028.
gnomAD v4.1: 38 of 700,154 alleles (0.0054%); highest among the groups gnomAD compares: South Asian, 0.016%; no homozygotes.

Submission:

Labcorp Genetics (formerly Invitae), Labcorp
Classification: Uncertain significance. Last evaluated: 2022-08-15. Review status: criteria provided, single submitter. Criteria: Invitae Variant Classification Sherloc (09022015). Collection method: clinical testing. Allele origin: germline.
Comment: This variant occurs in the RNU4ATAC gene, which encodes an RNA molecule that does not result in a protein product. This variant is present in population databases (rs780395960, gnomAD 0.03%). This variant has not been reported in the literature in individuals affected with RNU4ATAC-related conditions. ClinVar contains an entry for this variant (Variation ID: 1493204). Experimental studies and prediction algorithms are not available or were not evaluated, and the functional significance of this variant is currently unknown. In summary, the available evidence is currently insufficient to determine the role of this variant in disease. Therefore, it has been classified as a Variant of Uncertain Significance.